The following is an entry in ClinVar:

NM_024675.4(PALB2):c.212-2A>G

Gene: PALB2 (partner and localizer of BRCA2; minus strand). Cytogenetic location: 16p12.2.
Variant type: single nucleotide variant.
Coding change: c.212-2A>G on transcript NM_024675.4 (MANE Select); the canonical splice acceptor site of the intron before coding-DNA position 212, A replaced by G.
Molecular consequence: splice acceptor variant. On other transcripts: intron variant (3).
Genome position (GRCh38, 1-based): chr16:23,636,336, T>C on the plus strand (A>G on the coding strand, the complement: PALB2 is on the minus strand). VCF-style: chr16-23636336-T-C. GRCh37 (hg19) VCF-style: chr16-23647657-T-C.
Other names: c.-674-2A>G (NM_001407308.1, NM_001407306.1, NM_001407307.1 and 5 more transcripts); c.48+4774A>G (NM_001407314.1); c.-105+4774A>G (NM_001407313.1, NM_001407312.1); c.152-2A>G (NM_001407296.1); c.212-2A>G (NM_001407297.1, NM_001407302.1, NM_001407298.1 and 3 more transcripts).
Identifiers: ClinVar variation 182757 (VCV000182757.50), dbSNP rs730881879, ClinGen allele CA299700.

ClinVar aggregate classification (germline): Conflicting classifications of pathogenicity. Review status: criteria provided, conflicting classifications (1 of 4 stars). 14 submissions from 14 submitters: Pathogenic (5); Likely pathogenic (5); Uncertain significance (2); Likely benign (1). 1 of the submissions does not count toward it. Last evaluated 2026-09-24.

Conditions:
PALB2-related disorder. Also called: PALB2-related condition; PALB2-related disorders.
Hereditary cancer-predisposing syndrome. Also called: Hereditary Cancer Syndrome; Hereditary neoplastic syndrome; Neoplastic Syndromes, Hereditary; Tumor predisposition. Identifiers: Orphanet 140162, MedGen C0027672, MeSH D009386, MONDO:0015356.
Hereditary breast ovarian cancer syndrome. Also called: Hereditary breast and ovarian cancer syndrome; Hereditary breast and ovarian cancer syndrome (HBOC); Breast and ovarian cancer; Hereditary breast and/or ovarian cancer syndrome; BRCA1- and BRCA2-Associated Hereditary Breast and Ovarian Cancer; Hereditary breast and ovarian cancer. Identifiers: Orphanet 145, MedGen C0677776, MeSH D061325, MONDO:0003582. Disease mechanism: loss of function.
Familial cancer of breast. Also called: Hereditary breast cancer; hereditary breast carcinoma; BREAST CANCER, FAMILIAL. Identifiers: Orphanet 227535, MedGen C0346153, MONDO:0016419, OMIM 114480. Disease mechanism: loss of function.
Fanconi anemia complementation group N. Also called: PALB2-Related Fanconi Anemia. Identifiers: Orphanet 84, MedGen C1835817, MONDO:0012565, OMIM 610832. Disease mechanism: loss of function.
Pancreatic cancer, susceptibility to, 3. Identifiers: Orphanet 1333, MedGen C3150547, MONDO:0013236, OMIM 613348.

Allele frequency attached by ClinVar (database versions not stated): gnomAD exomes below 0.00001; TOPMed 0.00001; gnomAD 0.00002; ExAC 0.00001.
gnomAD v4.1: 7 of 1,586,880 alleles (0.00044%); highest among the groups gnomAD compares: Admixed American, 0.0017%; no homozygotes.

Submissions 1 to 7 of 15:

GeneDx
Classification: Likely pathogenic. Last evaluated: 2026-09-24. Review status: criteria provided, single submitter. Criteria: GeneDx Variant Classification Process June 2021. Collection method: clinical testing. Allele origin: germline.
Comment: Canonical splice site variant predicted to result in an in-frame loss of the adjacent exon in a gene for which loss of function is a known mechanism of disease; Not observed at significant frequency in large population cohorts (gnomAD); This variant is associated with the following publications: (PMID: 38061684, 31589614, 30293905, 32172797, 35626031, 26681312, 30890586, 25085752, 17200672)

PreventionGenetics, part of Exact Sciences
Classification: Uncertain significance for PALB2-related condition. Last evaluated: 2026-08-25. Review status: criteria provided, single submitter. Criteria: ACMG Guidelines, 2015. Collection method: clinical testing. Allele origin: germline.
Comment: The PALB2 c.212-2A>G variant is predicted to disrupt the AG splice acceptor site and interfere with normal splicing. This variant has been reported in individuals with personal and/or family histories of breast and/or ovarian cancer (Table S1, Susswein et al. 2016. PubMed ID: 26681312; Table S2, Espinel et al. 2022. PubMed ID: 35626031; Infante et al. 2024. PubMed ID: 38061684) as well as an individual with prostate cancer (Breen et al. 2023. PubMed ID: 36974724). Functional studies indicate that disruption of a different canonical splice acceptor site variant, c.212-1G>A, leads to the skipping of exon 4 and 5 but this alternatively spliced product was also observed in a control sample and digital PCR indicated that contribution of this alternatively spliced product to PALB2 expression level is low (Supp. Figures 5 and 6, Lopez-Perolio et al. 2019. PubMed ID: 30890586). In addition, several individuals homozygous or compound heterozygous for the c.212-2A>G variant do not have features of Fanconi anemia (personal communication). The c.212-2A>G variant is reported in 0.0010% of alleles in individuals of European (non-Finnish) descent in gnomAD. This variant has conflicting interpretations in ClinVar ranging from pathogenic to likely benign (Variation ID: 182757). Additional splice variants that alter this acceptor site also have conflicting interpretations in ClinVar ranging from pathogenic to likely benign (Variation IDs: 921112, 803240, and 640795). Due to the uncertainty of the effect of variants that alter this acceptor splice site on PALB2 function, this variant is interpreted as uncertain.

Labcorp Genetics (formerly Invitae), Labcorp
Classification: Pathogenic for Familial cancer of breast. Last evaluated: 2026-01-13. Review status: criteria provided, single submitter. Criteria: Invitae Variant Classification Sherloc (09022015). Collection method: clinical testing. Allele origin: germline.
Comment: This sequence change affects an acceptor splice site in intron 3 of the PALB2 gene. RNA analysis indicates that disruption of this splice site induces altered splicing and may result in an absent or altered protein product. This variant is present in population databases (rs730881879, gnomAD 0.001%). Disruption of this splice site has been observed in individual(s) with breast cancer (PMID: 26681312). ClinVar contains an entry for this variant (Variation ID: 182757). Studies have shown that disruption of this splice site alters mRNA splicing and is expected to lead to the loss of protein expression (PMID: 30890586; internal data). For these reasons, this variant has been classified as Pathogenic.

Color Diagnostics, LLC DBA Color Health
Classification: Uncertain significance for Hereditary cancer-predisposing syndrome. Last evaluated: 2025-09-05. Review status: criteria provided, single submitter. Criteria: ACMG Guidelines, 2015. Collection method: clinical testing. Allele origin: germline.
Comment: This variant causes a A to G nucleotide substitution at the -2 position of intron 3 of the PALB2 gene. Computational splicing predictions have indicated the disruption of the intron 3 splice acceptor site and the activation of a cryptic out-of-frame acceptor site in exon 4 (PMID: 30661751, 35449021). A minigene splicing assay reported that a similar canonical splice acceptor site variant in intron 3, c.212-1G>A, resulted in the out-of-frame skipping of exon 4 and exon 5 (PMID: 30890586). However, the PALB2 Variant Curation Expert Panel has raised the possible skipping of exon 4, c.212_1684del (p.Glu71_Lys561del), that may produce a functional protein product (PMID: 17200672). This variant has been reported in three individuals affected with breast and/or ovarian cancer (PMID: 26681312, 35626031, 38061684). An external laboratory has reported in ClinVar that carriers of this and another variant disruptive of this acceptor site have personal and family health histories that are similar to individuals lacking a pathogenic variant in the PALB2 gene (ClinVar accession: SCV006088946.1, SCV006093018.1). This variant has been identified in 1/221342 chromosomes in the general population by the Genome Aggregation Database (gnomAD). Loss of PALB2 function is a known mechanism of disease. The available evidence is insufficient to determine the role of this variant in disease conclusively. Therefore, this variant is classified as a Variant of Uncertain Significance.

Molecular Diagnostics Laboratory, Catalan Institute of Oncology
Classification: Likely pathogenic for Hereditary cancer-predisposing syndrome. Last evaluated: 2025-04-23. Review status: criteria provided, single submitter. Criteria: ClinGen ACMG Specifications PALB2 V1.1.0. Collection method: clinical testing. Allele origin: germline.
Comment: PVS1 (RNA), PM2_Supporting, PALB2 c.212-2A>G is an intronic variant located in a canonic splicing site. The SpliceAI algorithm predicts that the variant impairs the splicing acceptor site of intron 3 and the creation or strengthening of a novel splice acceptor site 34 bp upstream (deltascore: 0.35). RNA studies have shown that this variant results in the out-of-frame exon 4-5 skipping (PMID: 30890586) (PVS1_O_VeryStrong). It is not present in the population database gnomAD v2.1.1, non cancer dataset (PM2_supporting). This variant has been reported in the ClinVar database (7x likely pathogenic, 5x pathogenic). Based on the currently available information, c.212-2A>G is classified as a pathogenic variant according to ClinGen-PALB2 Guidelines version 1.1.

Ambry Genetics
Classification: Likely pathogenic for Hereditary cancer-predisposing syndrome. Last evaluated: 2025-02-20. Review status: criteria provided, single submitter. Criteria: Ambry Variant Classification Scheme 2023. Collection method: clinical testing. Allele origin: germline.
Comment: The c.212-2A>G intronic variant results from an A to G substitution two nucleotides upstream from coding exon 4 in the PALB2 gene. This alteration has been identified in multiple individuals with a personal history of breast and/or ovarian cancer (Susswein LR et al. Genet. Med. 2016 08;18:823-32; Espinel W et al. Cancers (Basel), 2022 May;14:). This nucleotide position is highly conserved in available vertebrate species. In silico splice site analysis predicts that this alteration will weaken the native splice acceptor site and may result in the creation or strengthening of a novel splice acceptor site; however, direct evidence is insufficient at this time (Ambry internal data). Alterations that disrupt the canonical splice site are expected to cause aberrant splicing, resulting in an abnormal protein or a transcript that is subject to nonsense-mediated mRNA decay. As such, this alteration is classified as likely pathogenic.

Myriad Genetics, Inc.
Classification: Likely benign for Familial cancer of breast. Last evaluated: 2025-01-10. Review status: criteria provided, single submitter. Criteria: Myriad Autosomal Dominant, Autosomal Recessive and X-Linked Classification Criteria (2023). Collection method: clinical testing. Allele origin: unknown.
Comment: This is a canonical splice variant classified as likely benign. The classification is based on an internal history weighting algorithm that has been validated and shown to have greater than 99.5% positive and negative predictive values [PMID: 25085752]. The algorithm shows this variant is not strongly associated with more severe personal and family histories of cancer which would be expected if this variant were disease causing. Curve available upon request.